The following is an entry in ClinVar:

NM_000152.5(GAA):c.2608C>T (p.Arg870Ter)

Gene: GAA (alpha glucosidase; plus strand). Cytogenetic location: 17q25.3.
Variant type: single nucleotide variant.
Coding change: c.2608C>T on transcript NM_000152.5 (MANE Select); coding-DNA position 2608, C replaced by T.
Protein change: p.Arg870Ter; replaces arginine 870 with a stop codon.
Molecular consequence: nonsense.
Genome position (GRCh38, 1-based): chr17:80,118,319, C>T. VCF-style: chr17-80118319-C-T. GRCh37 (hg19) VCF-style: chr17-78092118-C-T.
Other names: c.2608C>T, p.Arg870Ter (NM_001079803.3, NM_001079804.3); short protein forms R870*.
Identifiers: ClinVar variation 189009 (VCV000189009.45), dbSNP rs780321415, ClinGen allele CA274250.

ClinVar aggregate classification (germline): Pathogenic. Review status: reviewed by expert panel (3 of 4 stars). 19 submissions from 19 submitters: Pathogenic (1). 18 of the submissions do not count toward it. Last evaluated 2020-02-14.

Conditions:
GAA-related disorders.
Glycogen storage disease, type II (IOPD). Also called: CARDIOMEGALIA GLYCOGENICA DIFFUSA; Glycogen storage disease type 2; Acid maltase deficiency disease; Aglucosidase alfa; Deficiency of alpha-glucosidase; Deficiency of lysosomal alpha-glucosidase. Identifiers: Orphanet 365, MedGen C0017921, MONDO:0009290, OMIM 232300.

Allele frequency attached by ClinVar (database versions not stated): ExAC 0.00001; gnomAD exomes 0.00003; TOPMed 0.00003.
gnomAD v4.1: 51 of 1,581,644 alleles (0.0032%); highest among the groups gnomAD compares: Non-Finnish European, 0.004%; no homozygotes.

Submissions 1 to 10 of 19:

ClinGen Lysosomal Storage Disorder Variant Curation Expert Panel
Classification: Pathogenic for Glycogen storage disease, type II. Last evaluated: 2020-02-14. Review status: reviewed by expert panel. Criteria: ClinGen LSD ACMG Specifications v1. Collection method: curation. Allele origin: germline. Inheritance: Autosomal recessive inheritance.
Comment: This variant, c.2608C>T (p.Arg870Ter), is a nonsense variant that is expected to result in nonsense mediated decay and absence of gene product. This is supported by the lack of cross reactive immunological material in cultured fibroblasts from a patient with this variant (PMID 22252923). Therefore, PVS1 can be applied. The highest population minor allele frequency for this variant in gnomAD v2.1.1 is 0.00005 in the European non-Finnish population, meeting the ClinGen LSD VCEP's threshold for PM2. This variant has been reported in patients meeting the ClinGen LSD VCEP's PP4 criterion who also carry a known pathogenic variant in GAA, either c.-32-13T>G or c.525delT, phase unknown (PMIDs 17723315, 26497565), and a patient who is homozygous for the variant (PMID 26497565). Therefore, PP4 and PM3 can be applied. Additional cases have been reported but were not included because the residual GAA activity was not provided (and therefore PP4 cannot be assessed) (PMID 28763149), or a case with the same variant (not confirmed in trans) had already been included (PMID 17056254, 22676651). There is a ClinVar entry for this variant (Variation ID: 189009, 2 star review status) with five submitters classifying the variant as pathogenic and one as likely pathogenic. In summary, this variant meets the criteria to be classified as pathogenic for Pompe disease. GAA-specific ACMG/AMP criteria applied, as specified by the ClinGen LSD VCEP: PVS1, PM2, PM3, PP4.

Genomenon, Inc
Classification: Pathogenic for Glycogen storage disease, type II. Last evaluated: 2026-07-01. Review status: criteria provided, single submitter. Criteria: Genomenon Sequence Variant Interpretation Standards - Updated. Collection method: curation. Allele origin: germline. Affected: yes. Not counted in ClinVar's aggregate classification.
Comment: GAA p.Arg870Ter (c.2608C>T) is a nonsense variant that introduces a premature stop codon at amino acid position 870 and is predicted to result in a truncated or absent protein product. This variant has been observed in at least one proband with a GAA-related disorder (PMID:38948331;38584574;37701327;37087815;36805083;35477515;35264382;34927739;33741225;33301762;32711049;32248831;31676142;31606152;31545528;28814660;29181627). Functional studies have been reported (PMID:38948331). It is absent or not present at a significant frequency in gnomAD. In conclusion, we classify GAA p.Arg870Ter (c.2608C>T) as a pathogenic variant.

Dasa
Classification: Likely pathogenic. Last evaluated: 2026-02-25. Review status: criteria provided, single submitter. Criteria: DASA Assertion Criteria. Collection method: clinical testing. Allele origin: germline. Not counted in ClinVar's aggregate classification.
Comment: NM_000152.5(GAA):c.2608C>T (p.Arg870Ter) is a nonsense variant in GAA predicted to introduce a premature termination codon and is predicted to result in an absent or altered protein product. Loss of function is an established disease mechanism for GAA-associated disorders. This variant has been recurrently observed in individuals with GAA-related disorders (PMID: 26497565; PMID: 17056254; PMID: 22676651). Also, this variant is rare in population databases. Based on the currently available evidence, this variant is classified as likely pathogenic.

Labcorp Genetics (formerly Invitae), Labcorp
Classification: Pathogenic for Glycogen storage disease, type II. Last evaluated: 2026-01-24. Review status: criteria provided, single submitter. Criteria: Invitae Variant Classification Sherloc (09022015). Collection method: clinical testing. Allele origin: germline. Not counted in ClinVar's aggregate classification.
Comment: This sequence change creates a premature translational stop signal (p.Arg870*) in the GAA gene. It is expected to result in an absent or disrupted protein product. Loss-of-function variants in GAA are known to be pathogenic (PMID: 18425781, 22252923). This variant is present in population databases (rs780321415, gnomAD 0.005%). This premature translational stop signal has been observed in individual(s) with Pompe disease (PMID: 17056254, 27344650, 29181627). ClinVar contains an entry for this variant (Variation ID: 189009). For these reasons, this variant has been classified as Pathogenic.

Greenwood Genetic Center Diagnostic Laboratories, Greenwood Genetic Center
Classification: Pathogenic for Glycogen storage disease, type II. Last evaluated: 2025-05-22. Review status: criteria provided, single submitter. Criteria: ACMG Guidelines, 2015. Collection method: clinical testing. Allele origin: germline. Affected: yes. Not counted in ClinVar's aggregate classification.
Comment: PVS1, PM2, PM3, PP4

Natera, Inc.
Classification: Pathogenic for Glycogen storage disease type II. Last evaluated: 2024-08-13. Review status: criteria provided, single submitter. Criteria: Natera Variant Classification Schema (03/2026). Collection method: clinical testing. Allele origin: germline. Not counted in ClinVar's aggregate classification.
Comment: The c.2608C>T variant in GAA is a nonsense variant predicted to introduce a stop codon at amino acid 870. This variant is expected to result in nonsense mediated decay, truncation, or a dysfunctional protein product. This variant is rare in the general population with a frequency below the threshold expected for the associated phenotype(s). This variant has been observed in one or more individuals affected with the associated recessive disease, as either homozygous or compound heterozygous with a second variant (PMID: 26497565, 17723315). Given the available evidence, this variant is classified as Pathogenic.

Revvity Omics, Revvity
Classification: Pathogenic. Last evaluated: 2023-06-01. Review status: criteria provided, single submitter. Criteria: ACMG Guidelines, 2015. Collection method: clinical testing. Allele origin: germline. Not counted in ClinVar's aggregate classification.

Blueprint Genetics
Classification: Pathogenic for GAA-related disorders. Last evaluated: 2020-10-20. Review status: criteria provided, single submitter. Criteria: ACMG Guidelines, 2015. Collection method: clinical testing. Allele origin: germline. Affected: yes. Observed: 2 variant alleles. Not counted in ClinVar's aggregate classification.

Women's Health and Genetics/Laboratory Corporation of America, LabCorp
Classification: Pathogenic for Glycogen storage disease, type II. Last evaluated: 2020-03-05. Review status: criteria provided, single submitter. Criteria: LabCorp Variant Classification Summary - May 2015. Collection method: clinical testing. Allele origin: germline. Not counted in ClinVar's aggregate classification.
Comment: Variant summary: GAA c.2608C>T (p.Arg870X) results in a premature termination codon, predicted to cause a truncation of the encoded protein or absence of the protein due to nonsense mediated decay, which are commonly known mechanisms for disease. The variant allele was found at a frequency of 2.7e-05 in 225354 control chromosomes (gnomAD). c.2608C>T has been reported in the literature in multiple compound heterozygous- and homozygous individuals affected with Glycogen Storage Disease, Type 2 (Pompe Disease) (e.g. McCready_2007, Palmer_2007, Swift_2016, Banugaria_2013, Loscher_2018). These data indicate that the variant is very likely to be associated with disease. To our knowledge, no experimental evidence demonstrating an impact on protein function has been reported. Three clinical diagnostic laboratories have submitted clinical-significance assessments for this variant to ClinVar after 2014 without evidence for independent evaluation, and all of them classified the variant as pathogenic. Based on the evidence outlined above, the variant was classified as pathogenic.

Broad Center for Mendelian Genomics, Broad Institute of MIT and Harvard
Classification: Pathogenic for Glycogen storage disease, type II. Last evaluated: 2020-01-22. Review status: criteria provided, single submitter. Criteria: ACMG Guidelines, 2015. Collection method: curation. Allele origin: germline. Inheritance: Autosomal recessive inheritance. Not counted in ClinVar's aggregate classification.
Comment: This variant has been identified in 0.005% (5/102290) of European (non-Finnish) chromosomes and 0.003% (1/31448) of Latino chromosomes by the Genome Aggregation Database (gnomAD; dbSNP rs780321415). Although this variant has been seen in the general population, its frequency is low enough to be consistent with a recessive carrier frequency. This nonsense variant leads to a premature termination codon at position 870, which is predicted to lead to a truncated or absent protein. Loss of function of the GAA gene is an established disease mechanism in autosomal recessive Glycogen Storage Disease II. The presence of this variant in combination with 2 pathogenic variants and in homozygosity in individuals with Glycogen Storage Disease II increases the likelihood that the p.Arg870Ter variant is pathogenic (PMID: 22676651, 26497565). The phenotype of an individual homozygous or compound heterozygous for this variant is highly specific for Glycogen Storage Disease II based on their low GAA activity detected (PMID: 26497565, 22676651). In summary, this variant meets criteria to be classified as pathogenic for Glycogen Storage Disease II in an autosomal recessive manner based on the predicted impact of the variant and multiple occurrences with pathogenic GAA variants in individuals with Glycogen Storage Disease II. ACMG/AMP Criteria applied: PVS1, PM3, PM2, PP4 (Richards 2015).